The following is an entry in ClinVar:

NM_001002294.3(FMO3):c.-25G>A

Gene: FMO3 (flavin containing dimethylaniline monoxygenase 3; plus strand). Cytogenetic location: 1q24.3.
Variant type: single nucleotide variant.
Coding change: c.-25G>A on transcript NM_001002294.3 (MANE Select); 25 bases upstream of the start codon, G replaced by A.
Molecular consequence: 5 prime UTR variant.
Genome position (GRCh38, 1-based): chr1:171,090,963, G>A. VCF-style: chr1-171090963-G-A. GRCh37 (hg19) VCF-style: chr1-171060104-G-A.
Other names: NC_000001.10:g.171060104G>A; c.-195G>A (NM_001319173.2); c.-25G>A (NM_001319174.2); c.-8G>A (NM_006894.6).
Identifiers: ClinVar variation 293685 (VCV000293685.13), dbSNP rs11578281, ClinGen allele CA10608769.

ClinVar aggregate classification (germline): Conflicting classifications of pathogenicity. Review status: criteria provided, conflicting classifications (1 of 4 stars). 2 submissions from 2 submitters: Uncertain significance (1); Benign (1). Last evaluated 2025-10-01.

Conditions:
Trimethylaminuria (TMAU). Also called: Fish malodor syndrome; Stale fish syndrome; TMAuria; Primary Trimethylaminuria; FISH-ODOR SYNDROME. Identifiers: MedGen C0342739, MONDO:0011182, OMIM 602079, HP:0003614. Disease mechanism: loss of function.

Allele frequency attached by ClinVar (database versions not stated): 1000 Genomes Project 0.00260; 1000 Genomes Project 30x 0.00297; gnomAD 0.00689; TOPMed 0.00827; gnomAD exomes 0.00840.
gnomAD v4.1: 1,215 of 152,464 alleles (0.8%); highest among the groups gnomAD compares: Non-Finnish European, 1.3%; 14 homozygotes.

Submissions (5):

CeGaT Center for Human Genetics Tuebingen
Classification: Benign. Last evaluated: 2025-10-01. Review status: criteria provided, single submitter. Criteria: CeGaT Center For Human Genetics Tuebingen Variant Classification Criteria Version 2. Collection method: clinical testing. Allele origin: germline. Affected: yes. Observed: 3 variant alleles.
Comment: FMO3: PP3, BS1, BS2

Illumina Laboratory Services, Illumina
Classification: Uncertain significance for Trimethylaminuria. Last evaluated: 2018-01-13. Review status: criteria provided, single submitter. Criteria: ICSL Variant Classification Criteria 13 December 2019. Collection method: clinical testing. Allele origin: germline.

Dr. Peter K. Rogan Lab, Western University
No classification provided (evidence only). Condition: Chronic lymphocytic leukemia/small lymphocytic lymphoma. Review status: no classification provided. Collection method: in vitro. Allele origin: not applicable. Functional consequence: retained intron. Not counted in ClinVar's aggregate classification.

Dr. Peter K. Rogan Lab, Western University
No classification provided (evidence only). Condition: Nonpapillary renal cell carcinoma. Review status: no classification provided. Collection method: in vitro. Allele origin: not applicable. Functional consequence: retained intron. Not counted in ClinVar's aggregate classification.

Dr. Peter K. Rogan Lab, Western University
No classification provided (evidence only). Condition: Lymphoma. Review status: no classification provided. Collection method: in vitro. Allele origin: not applicable. Functional consequence: cryptic splice site. Not counted in ClinVar's aggregate classification.